The following is an entry in ClinVar:

ClinVar aggregate classification (germline): Conflicting classifications of pathogenicity. Review status: criteria provided, conflicting classifications (1 of 4 stars). 7 submissions from 7 submitters: Uncertain significance (1); Likely benign (4). 2 of the submissions do not count toward it. Last evaluated 2025-11-01.

Conditions:
Inborn genetic diseases. Identifiers: MedGen C0950123, MeSH D030342.
Familial sleep-related hypermotor epilepsy. Also called: Autosomal Dominant Sleep-Related Hypermotor (Hyperkinetic) Epilepsy. Identifiers: Orphanet 98784, MedGen C3696898, MONDO:0000030.
Tobacco use disorder. Identifiers: MedGen C0040336.
Frontotemporal dementia (FTD1). Also called: FRONTOTEMPORAL DEMENTIA WITH PARKINSONISM; FRONTOTEMPORAL LOBE DEMENTIA; MULTIPLE SYSTEM TAUOPATHY WITH PRESENILE DEMENTIA; WILHELMSEN-LYNCH DISEASE; Frontotemporal lobe dementia (FLDEM); Dementia, frontotemporal, with or without parkinsonism. Identifiers: Orphanet 282, MedGen C0338451, MONDO:0017276, OMIM 600274, HP:0002145.

Allele frequency attached by ClinVar (database versions not stated): gnomAD 0.00001; TOPMed 0.00003; gnomAD exomes 0.00006 and 0.00007; ExAC 0.00008.
gnomAD v4.1: 103 of 1,610,432 alleles (0.0064%); highest among the groups gnomAD compares: Middle Eastern, 0.016%; no homozygotes.

Submissions (7):

CeGaT Center for Human Genetics Tuebingen
Classification: Likely benign. Last evaluated: 2025-11-01. Review status: criteria provided, single submitter. Criteria: CeGaT Center For Human Genetics Tuebingen Variant Classification Criteria Version 2. Collection method: clinical testing. Allele origin: germline. Affected: yes. Observed: 4 variant alleles.
Comment: CHRNA4: BP4

Labcorp Genetics (formerly Invitae), Labcorp
Classification: Likely benign. Last evaluated: 2025-10-11. Review status: criteria provided, single submitter. Criteria: Invitae Variant Classification Sherloc (09022015). Collection method: clinical testing. Allele origin: germline.

Ambry Genetics
Classification: Likely benign for Inborn genetic diseases. Last evaluated: 2021-08-19. Review status: criteria provided, single submitter. Criteria: Ambry Variant Classification Scheme 2023. Collection method: clinical testing. Allele origin: germline.

GeneDx
Classification: Likely benign. Last evaluated: 2021-05-06. Review status: criteria provided, single submitter. Criteria: GeneDx Variant Classification Process June 2021. Collection method: clinical testing. Allele origin: germline. Affected: yes.

Eurofins Ntd Llc (ga)
Classification: Uncertain significance. Last evaluated: 2015-09-28. Review status: criteria provided, single submitter. Criteria: EGL Classification Definitions 2015. Collection method: clinical testing. Allele origin: germline. Observed: 2 variant alleles, 2 heterozygotes.

Guerreiro-Bras Laboratory, Van Andel Institute
Classification: Likely pathogenic for Frontotemporal dementia. Last evaluated: 2022-02-02. Review status: no assertion criteria provided. Collection method: research. Allele origin: unknown. Affected: yes. Not counted in ClinVar's aggregate classification.

Psychiatry Genetics Yale University
No classification provided. Review status: no classification provided. Collection method: not provided. Allele origin: somatic. Not counted in ClinVar's aggregate classification.

NM_000744.7(CHRNA4):c.1634C>T (p.Thr545Met)

Gene: CHRNA4 (cholinergic receptor nicotinic alpha 4 subunit; minus strand). Cytogenetic location: 20q13.33.
Variant type: single nucleotide variant.
Coding change: c.1634C>T on transcript NM_000744.7 (MANE Select); coding-DNA position 1634, C replaced by T.
Protein change: p.Thr545Met; replaces threonine 545 with methionine.
Molecular consequence: missense variant. On other transcripts: non-coding transcript variant (1).
Genome position (GRCh38, 1-based): chr20:63,349,777, G>A on the plus strand (C>T on the coding strand, the complement: CHRNA4 is on the minus strand). VCF-style: chr20-63349777-G-A. GRCh37 (hg19) VCF-style: chr20-61981129-G-A.
Other names: p.T545M:ACG>ATG; c.1106C>T, p.Thr369Met (NM_001256573.2); short protein forms T545M, T369M.
Identifiers: ClinVar variation 98320 (VCV000098320.58), dbSNP rs121912282, ClinGen allele CA150420.